The following is an entry in ClinVar:

NM_006567.5(FARS2):c.1306G>T (p.Ala436Ser)

Gene: FARS2 (phenylalanyl-tRNA synthetase 2, mitochondrial; plus strand). Cytogenetic location: 6p25.1.
Variant type: single nucleotide variant.
Coding change: c.1306G>T on transcript NM_006567.5 (MANE Select); coding-DNA position 1306, G replaced by T.
Protein change: p.Ala436Ser; replaces alanine 436 with serine.
Molecular consequence: missense variant.
Genome position (GRCh38, 1-based): chr6:5,771,379, G>T. VCF-style: chr6-5771379-G-T. GRCh37 (hg19) VCF-style: chr6-5771612-G-T.
Other names: c.1306G>T, p.Ala436Ser (NM_001318872.2, NM_001374875.1, NM_001374876.1 and 4 more transcripts); c.1174G>T, p.Ala392Ser (NM_001375258.1); c.610G>T, p.Ala204Ser (NM_001375259.1, NM_001375260.1); short protein forms A204S, A392S, A436S.
Identifiers: ClinVar variation 4706576 (VCV004706576.1).

ClinVar aggregate classification (germline): Uncertain significance (1 of 4 stars; one submission).

Conditions:
Combined oxidative phosphorylation defect type 14. Also called: Combined oxidative phosphorylation deficiency 14. Identifiers: Orphanet 319519, MedGen C4755312, MONDO:0013986, OMIM 614946.

gnomAD v4.1: 1 of 1,614,228 alleles (0.000062%); highest among the groups gnomAD compares: Admixed American, 0.0017%; no homozygotes.

Submission:

Labcorp Genetics (formerly Invitae), Labcorp
Classification: Uncertain significance for Combined oxidative phosphorylation defect type 14. Last evaluated: 2025-03-20. Review status: criteria provided, single submitter. Criteria: Invitae Variant Classification Sherloc (09022015). Collection method: clinical testing. Allele origin: germline.
Comment: This sequence change replaces alanine, which is neutral and non-polar, with serine, which is neutral and polar, at codon 436 of the FARS2 protein (p.Ala436Ser). This variant is present in population databases (no rsID available, gnomAD 0.003%). This variant has not been reported in the literature in individuals affected with FARS2-related conditions. Invitae Evidence Modeling of protein sequence and biophysical properties (such as structural, functional, and spatial information, amino acid conservation, physicochemical variation, residue mobility, and thermodynamic stability) indicates that this missense variant is not expected to disrupt FARS2 protein function with a negative predictive value of 80%. In summary, the available evidence is currently insufficient to determine the role of this variant in disease. Therefore, it has been classified as a Variant of Uncertain Significance.